The following is an entry in ClinVar:

ClinVar aggregate classification (germline): Conflicting classifications of pathogenicity. Review status: criteria provided, conflicting classifications (1 of 4 stars). 2 submissions from 2 submitters: Pathogenic (1); Uncertain significance (1). Last evaluated 2024-07-03.

Submissions (2):

Labcorp Genetics (formerly Invitae), Labcorp
Classification: Pathogenic. Last evaluated: 2024-07-03. Review status: criteria provided, single submitter. Criteria: Invitae Variant Classification Sherloc (09022015). Collection method: clinical testing. Allele origin: germline.
Comment: This sequence change affects the initiator methionine of the EMC1 mRNA. The next in-frame methionine is located at codon 90. This variant is not present in population databases (gnomAD no frequency). This variant has not been reported in the literature in individuals affected with EMC1-related conditions. This variant disrupts a region of the EMC1 protein in which other variant(s) (p.Thr82Met) have been determined to be pathogenic (PMID: 26942288, 31904590). This suggests that this is a clinically significant region of the protein, and that variants that disrupt it are likely to be disease-causing. For these reasons, this variant has been classified as Pathogenic.

Blueprint Genetics
Classification: Uncertain significance. Last evaluated: 2021-04-29. Review status: criteria provided, single submitter. Criteria: ACMG Guidelines, 2015. Collection method: clinical testing. Allele origin: germline.

Literature cited by the submitters: PubMed 26942288 (cited by Labcorp Genetics (formerly Invitae), Labcorp); PubMed 31904590 (cited by Labcorp Genetics (formerly Invitae), Labcorp).

NM_015047.3(EMC1):c.2T>C (p.Met1Thr)

Gene: EMC1 (ER membrane protein complex subunit 1; minus strand). Cytogenetic location: 1p36.13.
Variant type: single nucleotide variant.
Coding change: c.2T>C on transcript NM_015047.3 (MANE Select); coding-DNA position 2, T replaced by C.
Protein change: p.Met1Thr; changes the start codon (methionine 1).
Molecular consequence: missense variant, initiator codon variant.
Genome position (GRCh38, 1-based): chr1:19,251,508, A>G on the plus strand (T>C on the coding strand, the complement: EMC1 is on the minus strand). VCF-style: chr1-19251508-A-G. GRCh37 (hg19) VCF-style: chr1-19578002-A-G.
Other names: c.2T>C, p.Met1Thr (NM_001271427.2, NM_001271428.2, NM_001271429.2 and 2 more transcripts); short protein forms M1T.
Identifiers: ClinVar variation 2787605 (VCV002787605.4), dbSNP rs762503667, ClinGen allele CA338776224.